The following is an entry in ClinVar:

ClinVar aggregate classification (germline): Pathogenic (1 of 4 stars; one submission).

Conditions:
Intellectual developmental disorder with dysmorphic facies and behavioral abnormalities. Identifiers: MedGen C4748135, MONDO:0060760, OMIM 618089.

Submission:

Variantyx, Inc.
Classification: Pathogenic for Intellectual developmental disorder with dysmorphic facies and behavioral abnormalities. Last evaluated: 2025-11-19. Review status: criteria provided, single submitter. Criteria: Variantyx Assertion Criteria 2022. Collection method: clinical testing. Allele origin: de novo. Inheritance: Autosomal dominant inheritance. Affected: yes.
Comment: This is a frameshift variant in the FBXO11 gene (OMIM: 607871). Pathogenic variants in this gene have been associated with autosomal dominant intellectual developmental disorder with dysmorphic facies and behavioral abnormalities. The alteration introduces a premature termination codon in exon 12 out of 23 and is expected to result in loss of function, which is a known disease mechanism for FBXO11 in this disorder (PMID: 30057029, 30679813) (PVS1). This variant is absent from control populations (PM2), and it has not been reported in individuals with FBXO11-related disorders in the databases available for review. Based on the current evidence, this variant is classified as pathogenic for autosomal dominant intellectual developmental disorder with dysmorphic facies and behavioral abnormalities.

Literature cited by the submitters: PubMed 30057029; PubMed 30679813.

NM_001190274.2(FBXO11):c.1451dup (p.Ala486fs)

Gene: FBXO11 (F-box protein 11; minus strand). Cytogenetic location: 2p16.3.
Variant type: Duplication.
Coding change: c.1451dup on transcript NM_001190274.2 (MANE Select); coding-DNA position 1451, one base duplicated (T; older notation c.1451dupT).
Protein change: p.Ala486fs; shifts the reading frame from alanine 486.
Molecular consequence: frameshift variant.
Genome position (GRCh38, 1-based): chr2:47,823,308, A duplicated on the plus strand (T on the coding strand, the reverse complement: FBXO11 is on the minus strand). VCF-style (leftmost placement, unchanged base first): chr2-47823307-T-TA. GRCh37 (hg19) VCF-style: chr2-48050446-T-TA.
Other names: c.1199dup, p.Ala402fs (NM_001374325.1, NM_025133.4); short protein forms A402fs, A486fs.
Identifiers: ClinVar variation 4850804 (VCV004850804.1).